The following is an entry in ClinVar:

ClinVar aggregate classification (germline): Pathogenic. Review status: criteria provided, single submitter (1 of 4 stars). 2 submissions from 2 submitters: Pathogenic (1). 1 of the submissions does not count toward it. Last evaluated 2025-10-17.

Conditions:
Charcot-Marie-Tooth disease. Also called: Charcot-Marie-Tooth Hereditary Neuropathy; Charcot-Marie-Tooth Neuropathy. Identifiers: Orphanet 166, MedGen C0007959, MONDO:0015626.
Charcot-Marie-Tooth Neuropathy X. Identifiers: MedGen CN118851.

Submissions (2):

Labcorp Genetics (formerly Invitae), Labcorp
Classification: Pathogenic for Charcot-Marie-Tooth Neuropathy X. Last evaluated: 2025-10-17. Review status: criteria provided, single submitter. Criteria: Invitae Variant Classification Sherloc (09022015). Collection method: clinical testing. Allele origin: germline.
Comment: This sequence change replaces leucine, which is neutral and non-polar, with phenylalanine, which is neutral and non-polar, at codon 81 of the GJB1 protein (p.Leu81Phe). This variant is not present in population databases (gnomAD no frequency). This missense change has been observed in individuals with Charcot-Marie-Tooth disease (PMID: 10093067, 27804109; internal data). It has also been observed to segregate with disease in related individuals. ClinVar contains an entry for this variant (Variation ID: 637207). Invitae Evidence Modeling of protein sequence and biophysical properties (such as structural, functional, and spatial information, amino acid conservation, physicochemical variation, residue mobility, and thermodynamic stability) has been performed for this missense variant. However, the output from this modeling did not meet the statistical confidence thresholds required to predict the impact of this variant on GJB1 protein function. Experimental studies have shown that this missense change affects GJB1 function (PMID: 27804109). For these reasons, this variant has been classified as Pathogenic.

Inherited Neuropathy Consortium
Classification: Uncertain significance for Charcot-Marie-Tooth disease. Review status: no assertion criteria provided. Collection method: literature only. Allele origin: germline. Affected: yes. Not counted in ClinVar's aggregate classification.

Literature cited by the submitters: PubMed 10093067 (cited by Labcorp Genetics (formerly Invitae), Labcorp and Inherited Neuropathy Consortium); PubMed 27804109 (cited by Labcorp Genetics (formerly Invitae), Labcorp).

NM_000166.6(GJB1):c.241C>T (p.Leu81Phe)

Gene: GJB1 (gap junction protein beta 1; plus strand). Cytogenetic location: Xq13.1.
Variant type: single nucleotide variant.
Coding change: c.241C>T on transcript NM_000166.6 (MANE Select); coding-DNA position 241, C replaced by T.
Protein change: p.Leu81Phe; replaces leucine 81 with phenylalanine.
Molecular consequence: missense variant.
Genome position (GRCh38, 1-based): chrX:71,223,948, C>T. VCF-style: chrX-71223948-C-T. GRCh37 (hg19) VCF-style: chrX-70443798-C-T.
Other names: c.241C>T, p.Leu81Phe (NM_001097642.3); short protein forms L81F.
Identifiers: ClinVar variation 637207 (VCV000637207.8), dbSNP rs876661143, ClinGen allele CA413501630.
Genomic context (GRCh38, chrX:71,223,948, plus strand): 5'-AACAGCGTTTGCTATGACCAATTCTTCCCCATCTCCCATGTGCGGCTGTGGTCCCTGCAG[C>T]TCATCCTAGTTTCCACCCCAGCTCTCCTCGTGGCCATGCACGTGGCTCACCAGCAACACA-3'
Protein context (NP_000157.1, residues 71-91): ISHVRLWSLQ[Leu81Phe]ILVSTPALLV